The following is an entry in ClinVar:

NM_020975.6(RET):c.2092G>A (p.Asp698Asn)

Gene: RET (ret proto-oncogene; plus strand). Cytogenetic location: 10q11.21.
Variant type: single nucleotide variant.
Coding change: c.2092G>A on transcript NM_020975.6 (MANE Select); coding-DNA position 2092, G replaced by A.
Protein change: p.Asp698Asn; replaces aspartic acid 698 with asparagine.
Molecular consequence: missense variant.
Genome position (GRCh38, 1-based): chr10:43,114,692, G>A. VCF-style: chr10-43114692-G-A. GRCh37 (hg19) VCF-style: chr10-43610140-G-A.
Other names: c.2092G>A, p.Asp698Asn (NM_000323.2, NM_001406743.1, NM_001406744.1 and 4 more transcripts); c.1330G>A, p.Asp444Asn (NM_001355216.2); c.1963G>A, p.Asp655Asn (NM_001406761.1, NM_001406762.1, NM_001406764.1); c.1957G>A, p.Asp653Asn (NM_001406763.1, NM_001406765.1); c.1804G>A, p.Asp602Asn (NM_001406766.1, NM_001406767.1, NM_001406770.1); c.1828G>A, p.Asp610Asn (NM_001406768.1); c.1696G>A, p.Asp566Asn (NM_001406769.1, NM_001406772.1); c.1654G>A, p.Asp552Asn (NM_001406771.1, NM_001406773.1); and 10 more; short protein forms D354N, D552N, D263N, D399N, D444N, D655N, D303N, D359N.
Identifiers: ClinVar variation 1785752 (VCV001785752.7), dbSNP rs1276303673, ClinGen allele CA376553288.

ClinVar aggregate classification (germline): Uncertain significance. Review status: criteria provided, multiple submitters, no conflicts (2 of 4 stars). 3 submissions from 3 submitters: Uncertain significance (3). Last evaluated 2025-06-25.

Conditions:
Hereditary cancer-predisposing syndrome. Also called: Neoplastic Syndromes, Hereditary; Tumor predisposition; Hereditary Cancer Syndrome; Hereditary neoplastic syndrome. Identifiers: Orphanet 140162, MedGen C0027672, MeSH D009386, MONDO:0015356.
Multiple endocrine neoplasia, type 2 (MEN2). Identifiers: Orphanet 653, MedGen C4048306, MONDO:0019003. Disease mechanism: gain of function.

Allele frequency attached by ClinVar (database versions not stated): gnomAD exomes below 0.00001.
gnomAD v4.1: 1 of 1,612,096 alleles (0.000062%); highest among the groups gnomAD compares: Non-Finnish European, 0.000085%; no homozygotes.

Submissions (3):

Color Diagnostics, LLC DBA Color Health
Classification: Uncertain significance for Multiple endocrine neoplasia, type 2. Last evaluated: 2025-06-25. Review status: criteria provided, single submitter. Criteria: ACMG Guidelines, 2015. Collection method: clinical testing. Allele origin: germline.
Comment: This missense variant replaces aspartic acid with asparagine at codon 698 of the RET protein. Computational prediction suggests that this variant may not impact protein structure and function. To our knowledge, functional studies have not been reported for this variant. This variant has not been reported in individuals affected with RET-related disorders in the literature. This variant has not been identified in the general population by the Genome Aggregation Database (gnomAD). The available evidence is insufficient to determine the role of this variant in disease conclusively. Therefore, this variant is classified as a Variant of Uncertain Significance.

Labcorp Genetics (formerly Invitae), Labcorp
Classification: Uncertain significance for Multiple endocrine neoplasia, type 2. Last evaluated: 2022-03-05. Review status: criteria provided, single submitter. Criteria: Invitae Variant Classification Sherloc (09022015). Collection method: clinical testing. Allele origin: germline.
Comment: This sequence change replaces aspartic acid, which is acidic and polar, with asparagine, which is neutral and polar, at codon 698 of the RET protein (p.Asp698Asn). This variant is not present in population databases (gnomAD no frequency). This variant has not been reported in the literature in individuals affected with RET-related conditions. Algorithms developed to predict the effect of missense changes on protein structure and function are either unavailable or do not agree on the potential impact of this missense change (SIFT: "Tolerated"; PolyPhen-2: "Possibly Damaging"; Align-GVGD: "Class C0"). In summary, the available evidence is currently insufficient to determine the role of this variant in disease. Therefore, it has been classified as a Variant of Uncertain Significance.

Ambry Genetics
Classification: Uncertain significance for Hereditary cancer-predisposing syndrome. Last evaluated: 2022-01-26. Review status: criteria provided, single submitter. Criteria: Ambry Variant Classification Scheme 2023. Collection method: clinical testing. Allele origin: germline.
Comment: The p.D698N variant (also known as c.2092G>A), located in coding exon 11 of the RET gene, results from a G to A substitution at nucleotide position 2092. The aspartic acid at codon 698 is replaced by asparagine, an amino acid with highly similar properties. This amino acid position is well conserved in available vertebrate species. In addition, this alteration is predicted to be tolerated by in silico analysis. Since supporting evidence is limited at this time, the clinical significance of this alteration remains unclear.